The following is an entry in ClinVar:

ClinVar aggregate classification (germline): Uncertain significance (1 of 4 stars; one submission).

Conditions:
Treacher Collins syndrome 1 (TCS1). Also called: TCOF1-Related Treacher Collins Syndrome. Identifiers: Orphanet 861, MedGen CN315775, MONDO:0007944, OMIM 154500.

gnomAD v4.1: 35 of 1,613,922 alleles (0.0022%); highest among the groups gnomAD compares: Admixed American, 0.0033%; no homozygotes.

Submission:

Labcorp Genetics (formerly Invitae), Labcorp
Classification: Uncertain significance for Treacher Collins syndrome 1. Last evaluated: 2026-02-01. Review status: criteria provided, single submitter. Criteria: Invitae Variant Classification Sherloc (09022015). Collection method: clinical testing. Allele origin: germline.
Comment: This sequence change replaces glutamine, which is neutral and polar, with glutamic acid, which is acidic and polar, at codon 1312 of the TCOF1 protein (p.Gln1312Glu). This variant is present in population databases (rs768624184, gnomAD 0.006%). This variant has not been reported in the literature in individuals affected with TCOF1-related conditions. An algorithm developed to predict the effect of missense changes on protein structure and function (PolyPhen-2) suggests that this variant is likely to be disruptive. In summary, the available evidence is currently insufficient to determine the role of this variant in disease. Therefore, it has been classified as a Variant of Uncertain Significance.

NM_001371623.1(TCOF1):c.3937C>G (p.Gln1313Glu)

Gene: TCOF1 (treacle ribosome biogenesis factor 1; plus strand). Cytogenetic location: 5q32.
Variant type: single nucleotide variant.
Coding change: c.3937C>G on transcript NM_001371623.1 (MANE Select); coding-DNA position 3937, C replaced by G.
Protein change: p.Gln1313Glu; replaces glutamine 1313 with glutamic acid.
Molecular consequence: missense variant.
Genome position (GRCh38, 1-based): chr5:150,396,434, C>G. VCF-style: chr5-150396434-C-G. GRCh37 (hg19) VCF-style: chr5-149775997-C-G.
Other names: c.3703C>G, p.Gln1235Glu (NM_000356.4, NM_001437406.1); c.3934C>G, p.Gln1312Glu (NM_001135243.2); c.3823C>G, p.Gln1275Glu (NM_001135244.2); c.3706C>G, p.Gln1236Glu (NM_001135245.2); c.3820C>G, p.Gln1274Glu (NM_001195141.2); short protein forms Q1235E, Q1275E, Q1312E, Q1313E, Q1236E, Q1274E.
Identifiers: ClinVar variation 4772360 (VCV004772360.1).
Genomic context (GRCh38, chr5:150,396,434, plus strand): 5'-CAAAGCAACATCACCCAGTGCCTCCTGGGCCAACCCTGGCCCCTGAATGAGGCCCAGGTG[C>G]AGGCCTCAGTGGTGAAGGTCCTGACTGAGCTGCTGGAACAGGAAAGAAAGAAGGTGGTGG-3'
Protein context (NP_001358552.1, residues 1303-1323): QPWPLNEAQV[Gln1313Glu]ASVVKVLTEL